The following is an entry in ClinVar:

NM_005045.4(RELN):c.8495T>C (p.Val2832Ala)

Genes: SLC26A5-AS1 (SLC26A5 antisense RNA 1; plus strand), RELN (reelin; minus strand). Cytogenetic location: 7q22.1.
Variant type: single nucleotide variant.
Coding change: c.8495T>C on transcript NM_005045.4 (MANE Select); coding-DNA position 8495, T replaced by C.
Protein change: p.Val2832Ala; replaces valine 2832 with alanine.
Molecular consequence: missense variant.
Genome position (GRCh38, 1-based): chr7:103,500,917, A>G on the plus strand (T>C on the coding strand, the complement: RELN is on the minus strand). VCF-style: chr7-103500917-A-G. GRCh37 (hg19) VCF-style: chr7-103141364-A-G.
Other names: c.8495T>C, p.Val2832Ala (NM_173054.3); short protein forms V2832A.
Identifiers: ClinVar variation 1039279 (VCV001039279.8), dbSNP rs1257978206, ClinGen allele CA368756240.

ClinVar aggregate classification (germline): Uncertain significance (1 of 4 stars; one submission).

Conditions:
Norman-Roberts syndrome (LIS2). Also called: Lissencephaly 2 (Norman-Roberts type). Identifiers: Orphanet 89844, MedGen C0796089, MONDO:0009760, OMIM 257320.
Familial temporal lobe epilepsy 7. Identifiers: Orphanet 101046, MedGen C4225327, MONDO:0014639, OMIM 616436.

Allele frequency attached by ClinVar (database versions not stated): gnomAD exomes below 0.00001.
gnomAD v4.1: 1 of 1,614,080 alleles (0.000062%); highest among the groups gnomAD compares: Non-Finnish European, 0.000085%; no homozygotes.

Submission:

Labcorp Genetics (formerly Invitae), Labcorp
Classification: Uncertain significance for Familial temporal lobe epilepsy 7; Norman-Roberts syndrome. Last evaluated: 2025-10-20. Review status: criteria provided, single submitter. Criteria: Invitae Variant Classification Sherloc (09022015). Collection method: clinical testing. Allele origin: germline.
Comment: This sequence change replaces valine, which is neutral and non-polar, with alanine, which is neutral and non-polar, at codon 2832 of the RELN protein (p.Val2832Ala). This variant is present in population databases (no rsID available, gnomAD 0.0009%). This variant has not been reported in the literature in individuals affected with RELN-related conditions. ClinVar contains an entry for this variant (Variation ID: 1039279). Invitae Evidence Modeling of protein sequence and biophysical properties (such as structural, functional, and spatial information, amino acid conservation, physicochemical variation, residue mobility, and thermodynamic stability) indicates that this missense variant is not expected to disrupt RELN protein function with a negative predictive value of 80%. In summary, the available evidence is currently insufficient to determine the role of this variant in disease. Therefore, it has been classified as a Variant of Uncertain Significance.